The following is an entry in ClinVar:

ClinVar aggregate classification (germline): Uncertain significance (0 of 4 stars; one submission).

Conditions:
HSD10 mitochondrial disease (HSD10MD). Also called: HSD10 disease; HSD17B10 DEFICIENCY; MHBD DEFICIENCY; 2-METHYL-3-HYDROXYBUTYRYL-CoA DEHYDROGENASE DEFICIENCY; Chorioathetosis with Mental Retardation and Abnormal Behavior; 2-methyl-3-hydroxybutyric aciduria. Identifiers: Orphanet 391417, Orphanet 85295, MedGen C3266731, MONDO:0010327, OMIM 300438. Disease mechanism: loss of function.

Allele frequency attached by ClinVar (database versions not stated): gnomAD exomes 0.00001; TOPMed 0.00001.
gnomAD v4.1: 7 of 1,209,316 alleles (0.00058%); highest among the groups gnomAD compares: Non-Finnish European, 0.00078%; no homozygotes.

Submission:

Division of Human Genetics, Children's Hospital of Philadelphia
Classification: Uncertain significance for 17-beta-hydroxysteroid dehydrogenase X deficiency. Last evaluated: 2015-05-07. Review status: no assertion criteria provided. Collection method: research. Allele origin: maternal. Affected: yes. Study: CSER-PediSeq.
Comment: The heterozygous variant in in the HSD17B10 gene (c.218C>G; p.Thr73Arg) is considered a variant of uncertain significance. This variant has not been previously published. The variant is absent at this time from the ExAC database and represents a non-conservative amino acid change in a region of low conservation which is part of a conserved domain (Short chain dehydrogenase/reductase SDR - Alamut only).

NM_004493.3(HSD17B10):c.218C>G (p.Thr73Arg)

Gene: HSD17B10 (hydroxysteroid 17-beta dehydrogenase 10; minus strand). Cytogenetic location: Xp11.22.
Variant type: single nucleotide variant.
Coding change: c.218C>G on transcript NM_004493.3 (MANE Select); coding-DNA position 218, C replaced by G.
Protein change: p.Thr73Arg; replaces threonine 73 with arginine.
Molecular consequence: missense variant.
Genome position (GRCh38, 1-based): chrX:53,432,386, G>C on the plus strand (C>G on the coding strand, the complement: HSD17B10 is on the minus strand). VCF-style: chrX-53432386-G-C. GRCh37 (hg19) VCF-style: chrX-53459334-G-C.
Other names: c.218C>G, p.Thr73Arg (NM_001037811.2); short protein forms T73R.
Identifiers: ClinVar variation 203377 (VCV000203377.1), dbSNP rs794729644, ClinGen allele CA203879.